The following is an entry in ClinVar:

NM_003705.5(SLC25A12):c.1969C>T (p.Leu657Phe)

Gene: SLC25A12 (solute carrier family 25 member 12; minus strand). Cytogenetic location: 2q31.1.
Variant type: single nucleotide variant.
Coding change: c.1969C>T on transcript NM_003705.5 (MANE Select); coding-DNA position 1969, C replaced by T.
Protein change: p.Leu657Phe; replaces leucine 657 with phenylalanine.
Molecular consequence: missense variant. On other transcripts: non-coding transcript variant (1).
Genome position (GRCh38, 1-based): chr2:171,785,342, G>A on the plus strand (C>T on the coding strand, the complement: SLC25A12 is on the minus strand). VCF-style: chr2-171785342-G-A. GRCh37 (hg19) VCF-style: chr2-172641852-G-A.
Other names: short protein forms L657F.
Identifiers: ClinVar variation 2693223 (VCV002693223.2), dbSNP rs2545147330, ClinGen allele CA349287164.

ClinVar aggregate classification (germline): Uncertain significance (1 of 4 stars; one submission).

Submission:

Labcorp Genetics (formerly Invitae), Labcorp
Classification: Uncertain significance. Last evaluated: 2023-11-19. Review status: criteria provided, single submitter. Criteria: Invitae Variant Classification Sherloc (09022015). Collection method: clinical testing. Allele origin: germline.
Comment: This sequence change replaces leucine, which is neutral and non-polar, with phenylalanine, which is neutral and non-polar, at codon 657 of the SLC25A12 protein (p.Leu657Phe). This variant is not present in population databases (gnomAD no frequency). This variant has not been reported in the literature in individuals affected with SLC25A12-related conditions. An algorithm developed to predict the effect of missense changes on protein structure and function (PolyPhen-2) suggests that this variant is likely to be disruptive. In summary, the available evidence is currently insufficient to determine the role of this variant in disease. Therefore, it has been classified as a Variant of Uncertain Significance.